The following is an entry in ClinVar:

NM_006015.6(ARID1A):c.4659C>G (p.Pro1553=)

Gene: ARID1A (AT-rich interaction domain 1A; plus strand). Cytogenetic location: 1p36.11.
Variant type: single nucleotide variant.
Coding change: c.4659C>G on transcript NM_006015.6 (MANE Select); coding-DNA position 4659, C replaced by G.
Protein change: p.Pro1553=; no amino-acid change (proline 1553 retained).
Molecular consequence: synonymous variant. On other transcripts: intron variant (1).
Genome position (GRCh38, 1-based): chr1:26,774,886, C>G. VCF-style: chr1-26774886-C-G. GRCh37 (hg19) VCF-style: chr1-27101377-C-G.
Other names: c.4102-94C>G (NM_139135.4).
Identifiers: ClinVar variation 1541482 (VCV001541482.16), dbSNP rs756671794, ClinGen allele CA707498.

ClinVar aggregate classification (germline): Likely benign. Review status: criteria provided, multiple submitters, no conflicts (2 of 4 stars). 2 submissions from 2 submitters: Likely benign (2). Last evaluated 2025-09-01.

Allele frequency attached by ClinVar (database versions not stated): ExAC 0.00001; gnomAD exomes 0.00001; gnomAD 0.00002; TOPMed 0.00004.

Submissions (2):

CeGaT Center for Human Genetics Tuebingen
Classification: Likely benign. Last evaluated: 2025-09-01. Review status: criteria provided, single submitter. Criteria: CeGaT Center For Human Genetics Tuebingen Variant Classification Criteria Version 2. Collection method: clinical testing. Allele origin: germline. Affected: yes. Observed: 1 variant allele.
Comment: ARID1A: BP4, BP7

Labcorp Genetics (formerly Invitae), Labcorp
Classification: Likely benign. Last evaluated: 2025-07-01. Review status: criteria provided, single submitter. Criteria: Invitae Variant Classification Sherloc (09022015). Collection method: clinical testing. Allele origin: germline.